The following is an entry in ClinVar:

ClinVar aggregate classification (germline): Likely benign. Review status: criteria provided, multiple submitters, no conflicts (2 of 4 stars). 2 submissions from 2 submitters: Likely benign (2). Last evaluated 2026-07-05.

Conditions:
Alstrom syndrome (ALMS). Identifiers: Orphanet 64, MedGen C0268425, MONDO:0008763, OMIM 203800.
ALMS1-related disorder. Also called: ALMS1-related condition.

Allele frequency attached by ClinVar (database versions not stated): ExAC 0.00002.
gnomAD v4.1: 6 of 1,613,380 alleles (0.00037%); highest among the groups gnomAD compares: South Asian, 0.0066%; no homozygotes.

Submissions (2):

PreventionGenetics, part of Exact Sciences
Classification: Likely benign for ALMS1-related condition. Last evaluated: 2026-07-05. Review status: criteria provided, single submitter. Criteria: ACMG Guidelines, 2015. Collection method: clinical testing. Allele origin: germline.
Comment: This variant is classified as likely benign based on ACMG/AMP sequence variant interpretation guidelines (Richards et al. 2015 PMID: 25741868, with internal and published modifications).

Labcorp Genetics (formerly Invitae), Labcorp
Classification: Likely benign for Alstrom syndrome. Last evaluated: 2022-11-17. Review status: criteria provided, single submitter. Criteria: Invitae Variant Classification Sherloc (09022015). Collection method: clinical testing. Allele origin: germline.

NM_001378454.1(ALMS1):c.6957A>G (p.Arg2319=)

Gene: ALMS1 (ALMS1 centrosome and basal body associated protein; plus strand). Cytogenetic location: 2p13.1.
Variant type: single nucleotide variant.
Coding change: c.6957A>G on transcript NM_001378454.1 (MANE Select); coding-DNA position 6957, A replaced by G.
Protein change: p.Arg2319=; no amino-acid change (arginine 2319 retained).
Molecular consequence: synonymous variant.
Genome position (GRCh38, 1-based): chr2:73,453,484, A>G. VCF-style: chr2-73453484-A-G. GRCh37 (hg19) VCF-style: chr2-73680611-A-G.
Other names: c.6960A>G, p.Arg2320= (NM_015120.4).
Identifiers: ClinVar variation 2761797 (VCV002761797.4), dbSNP rs752181026, ClinGen allele CA1714157.